The following is an entry in ClinVar:

NM_170606.3(KMT2C):c.6951A>G (p.Gln2317=)

Gene: KMT2C (lysine methyltransferase 2C; minus strand). Cytogenetic location: 7q36.1.
Variant type: single nucleotide variant.
Coding change: c.6951A>G on transcript NM_170606.3 (MANE Select); coding-DNA position 6951, A replaced by G.
Protein change: p.Gln2317=; no amino-acid change (glutamine 2317 retained).
Molecular consequence: synonymous variant.
Genome position (GRCh38, 1-based): chr7:152,180,909, T>C on the plus strand (A>G on the coding strand, the complement: KMT2C is on the minus strand). VCF-style: chr7-152180909-T-C. GRCh37 (hg19) VCF-style: chr7-151877994-T-C.
Identifiers: ClinVar variation 1573541 (VCV001573541.14), dbSNP rs1465945340, ClinGen allele CA458887676.

ClinVar aggregate classification (germline): Likely benign. Review status: criteria provided, multiple submitters, no conflicts (2 of 4 stars). 2 submissions from 2 submitters: Likely benign (2). Last evaluated 2025-12-01.

Allele frequency attached by ClinVar (database versions not stated): gnomAD exomes below 0.00001 and 0.00001; TOPMed below 0.00001; gnomAD 0.00001.
gnomAD v4.1: 5 of 1,614,088 alleles (0.00031%); highest among the groups gnomAD compares: African/African-American, 0.0013%; no homozygotes.

Submissions (3):

CeGaT Center for Human Genetics Tuebingen
Classification: Likely benign. Last evaluated: 2025-12-01. Review status: criteria provided, single submitter. Criteria: CeGaT Center For Human Genetics Tuebingen Variant Classification Criteria Version 2. Collection method: clinical testing. Allele origin: germline. Affected: yes. Observed: 1 variant allele.
Comment: KMT2C: BP4, BP7

Labcorp Genetics (formerly Invitae), Labcorp
Classification: Likely benign. Last evaluated: 2025-01-06. Review status: criteria provided, single submitter. Criteria: Invitae Variant Classification Sherloc (09022015). Collection method: clinical testing. Allele origin: germline.

Dr. Peter K. Rogan Lab, Western University
No classification provided (evidence only). Condition: Ovarian serous cystadenocarcinoma. Review status: no classification provided. Collection method: in vitro. Allele origin: not applicable. Functional consequence: retained intron. Not counted in ClinVar's aggregate classification.